The following is an entry in ClinVar:

ClinVar aggregate classification (germline): Uncertain significance (1 of 4 stars; one submission).

Submission:

GeneDx
Classification: Uncertain significance. Last evaluated: 2024-04-29. Review status: criteria provided, single submitter. Criteria: GeneDx Variant Classification Process June 2021. Collection method: clinical testing. Allele origin: germline. Affected: yes.
Comment: Nonsense variant predicted to result in protein truncation or nonsense mediated decay in a gene or region of a gene for which loss of function is not a well-established mechanism of disease; Has not been previously published as pathogenic or benign to our knowledge

NM_018149.7(SMG8):c.1816C>T (p.Arg606Ter)

Gene: SMG8 (SMG8 nonsense mediated mRNA decay factor; plus strand). Cytogenetic location: 17q22.
Variant type: single nucleotide variant.
Coding change: c.1816C>T on transcript NM_018149.7 (MANE Select); coding-DNA position 1816, C replaced by T.
Protein change: p.Arg606Ter; replaces arginine 606 with a stop codon.
Molecular consequence: nonsense.
Genome position (GRCh38, 1-based): chr17:59,212,397, C>T. VCF-style: chr17-59212397-C-T. GRCh37 (hg19) VCF-style: chr17-57289758-C-T.
Other names: short protein forms R606*.
Identifiers: ClinVar variation 3372969 (VCV003372969.1).